The following is an entry in ClinVar:

ClinVar aggregate classification (germline): Uncertain significance. Review status: criteria provided, multiple submitters, no conflicts (2 of 4 stars). 3 submissions from 3 submitters: Uncertain significance (2). 1 of the submissions does not count toward it. Last evaluated 2023-07-26.

Conditions:
Retinitis pigmentosa 94, variable age at onset. Identifiers: MedGen C5676889, MONDO:0800328.

Allele frequency attached by ClinVar (database versions not stated): gnomAD 0.00001; gnomAD exomes 0.00001 and 0.00002; TOPMed 0.00001; ExAC 0.00002.
gnomAD v4.1: 11 of 1,611,812 alleles (0.00068%); highest among the groups gnomAD compares: South Asian, 0.012%; no homozygotes.

Submissions (3):

Women's Health and Genetics/Laboratory Corporation of America, LabCorp
Classification: Uncertain significance. Last evaluated: 2023-07-26. Review status: criteria provided, single submitter. Criteria: LabCorp Variant Classification Summary - May 2015. Collection method: clinical testing. Allele origin: germline.
Comment: Variant summary: SPATA7 c.1100A>G (p.Tyr367Cys) results in a non-conservative amino acid change in the encoded protein sequence. Four of five in-silico tools predict a damaging effect of the variant on protein function. The variant allele was found at a frequency of 2.4e-05 in 250190 control chromosomes. The available data on variant occurrences in the general population are insufficient to allow any conclusion about variant significance. c.1100A>G has been reported in the literature in individuals affected with Retinitis Pigmentosa (Sengillo_2018). These reports do not provide unequivocal conclusions about association of the variant with Leber Congenital Amaurosis. To our knowledge, no experimental evidence demonstrating an impact on protein function has been reported. The following publication have been ascertained in the context of this evaluation (PMID: 29411205). One submitter has cited clinical-significance assessments for this variant to ClinVar after 2014 and has classified the variant as pathogenic. Based on the evidence outlined above, the variant was classified as uncertain significance.

Blueprint Genetics
Classification: Uncertain significance. Last evaluated: 2022-02-01. Review status: criteria provided, single submitter. Criteria: ACMG Guidelines, 2015. Collection method: clinical testing. Allele origin: germline.

OMIM
Classification: Pathogenic for RETINITIS PIGMENTOSA 94, VARIABLE AGE AT ONSET. Last evaluated: 2022-06-28. Review status: no assertion criteria provided. Collection method: literature only. Allele origin: germline. Not counted in ClinVar's aggregate classification.

Literature cited by the submitters: PubMed 29411205 (cited by Women's Health and Genetics/Laboratory Corporation of America, LabCorp and OMIM).

NM_018418.5(SPATA7):c.1100A>G (p.Tyr367Cys)

Gene: SPATA7 (spermatogenesis associated 7; plus strand). Cytogenetic location: 14q31.3.
Variant type: single nucleotide variant.
Coding change: c.1100A>G on transcript NM_018418.5 (MANE Select); coding-DNA position 1100, A replaced by G.
Protein change: p.Tyr367Cys; replaces tyrosine 367 with cysteine.
Molecular consequence: missense variant.
Genome position (GRCh38, 1-based): chr14:88,433,152, A>G. VCF-style: chr14-88433152-A-G. GRCh37 (hg19) VCF-style: chr14-88899496-A-G.
Other names: Y367C; c.1100A>G (NM_018418.4); c.1004A>G, p.Tyr335Cys (NM_001040428.4); short protein forms Y335C.
Identifiers: ClinVar variation 1693517 (VCV001693517.3), dbSNP rs768788013, ClinGen allele CA7298731.